The following is an entry in ClinVar:

NM_152415.3(VPS37A):c.215A>G (p.Gln72Arg)

Gene: VPS37A (VPS37A subunit of ESCRT-I; plus strand). Cytogenetic location: 8p22.
Variant type: single nucleotide variant.
Coding change: c.215A>G on transcript NM_152415.3 (MANE Select); coding-DNA position 215, A replaced by G.
Protein change: p.Gln72Arg; replaces glutamine 72 with arginine.
Molecular consequence: missense variant. On other transcripts: 5 prime UTR variant (5).
Genome position (GRCh38, 1-based): chr8:17,268,272, A>G. VCF-style: chr8-17268272-A-G. GRCh37 (hg19) VCF-style: chr8-17125781-A-G.
Other names: c.140A>G, p.Gln47Arg (NM_001145152.2); c.215A>G, p.Gln72Arg (NM_001363167.1, NM_001363173.2); c.-56A>G (NM_001363168.1, NM_001363169.1, NM_001363170.1 and 2 more transcripts); short protein forms Q72R, Q47R.
Identifiers: ClinVar variation 2166324 (VCV002166324.4), dbSNP rs758481758, ClinGen allele CA4643232.

ClinVar aggregate classification (germline): Uncertain significance (1 of 4 stars; one submission).

Conditions:
Hereditary spastic paraplegia 53. Also called: Spastic paraplegia 53, autosomal recessive. Identifiers: Orphanet 319199, MedGen C3539494, MONDO:0013962, OMIM 614898.

Allele frequency attached by ClinVar (database versions not stated): ExAC 0.00001.

Submission:

Labcorp Genetics (formerly Invitae), Labcorp
Classification: Uncertain significance for Hereditary spastic paraplegia 53. Last evaluated: 2024-05-14. Review status: criteria provided, single submitter. Criteria: Invitae Variant Classification Sherloc (09022015). Collection method: clinical testing. Allele origin: germline.
Comment: This sequence change replaces glutamine, which is neutral and polar, with arginine, which is basic and polar, at codon 72 of the VPS37A protein (p.Gln72Arg). This variant is present in population databases (rs758481758, gnomAD 0.006%). This variant has not been reported in the literature in individuals affected with VPS37A-related conditions. ClinVar contains an entry for this variant (Variation ID: 2166324). Advanced modeling of protein sequence and biophysical properties (such as structural, functional, and spatial information, amino acid conservation, physicochemical variation, residue mobility, and thermodynamic stability) has been performed at Invitae for this missense variant, however the output from this modeling did not meet the statistical confidence thresholds required to predict the impact of this variant on VPS37A protein function. In summary, the available evidence is currently insufficient to determine the role of this variant in disease. Therefore, it has been classified as a Variant of Uncertain Significance.